The following is an entry in ClinVar:

ClinVar aggregate classification (germline): Uncertain significance (1 of 4 stars; one submission).

Conditions:
KRT10-related disorder. Also called: KRT10-related condition.

Submission:

PreventionGenetics, part of Exact Sciences
Classification: Uncertain significance for KRT10-related condition. Last evaluated: 2026-03-02. Review status: criteria provided, single submitter. Criteria: ACMG Guidelines, 2015. Collection method: clinical testing. Allele origin: germline.
Comment: The KRT10 c.1459_1536del78 variant is predicted to result in an in-frame deletion (p.His487_Gly512del). To our knowledge, this variant has not been reported in the literature. This variant is reported in 0.034% of alleles in individuals of European (Non-Finnish) descent in gnomAD. At this time, the clinical significance of this variant is uncertain due to the absence of conclusive functional and genetic evidence.

NM_000421.5(KRT10):c.1459_1536del (p.His487_Gly512del)

Gene: KRT10 (keratin 10; minus strand). Cytogenetic location: 17q21.2.
Variant type: Deletion.
Coding change: c.1459_1536del on transcript NM_000421.5 (MANE Select); coding-DNA positions 1459 to 1536, 78 bases deleted.
Protein change: p.His487_Gly512del.
Molecular consequence: inframe deletion.
Genome position (GRCh38, 1-based): chr17:40,818,999-40,819,076, 78 bases deleted. GRCh37 (hg19): chr17:38,975,287-38,975,364.
Other names: c.1459_1536del, p.His487_Gly512del (NM_001379366.1).
Identifiers: ClinVar variation 4990228 (VCV004990228.1).